The following is an entry in ClinVar:

ClinVar aggregate classification (germline): Benign/Likely benign. Review status: criteria provided, multiple submitters, no conflicts (2 of 4 stars). 7 submissions from 5 submitters: Benign (4); Likely benign (3). Last evaluated 2025-09-09.

Conditions:
Keratitis fugax hereditaria. Also called: KERATOENDOTHELIITIS FUGAX HEREDITARIA. Identifiers: Orphanet 647815, MedGen C1835697, MONDO:0007849, OMIM 148200.
Familial cold autoinflammatory syndrome 1 (FCAS1). Also called: CRYOPYRIN-ASSOCIATED PERIODIC SYNDROME 1; Familial cold inflammatory syndrome 1. Identifiers: Orphanet 47045, MedGen C4551895, MONDO:0007349, OMIM 120100.
Chronic infantile neurological, cutaneous and articular syndrome (CINCA). Also called: CHRONIC NEUROLOGIC CUTANEOUS AND ARTICULAR SYNDROME; CRYOPYRIN-ASSOCIATED PERIODIC SYNDROME 3; CINCA syndrome; Prieur Griscelli syndrome. Identifiers: Orphanet 1451, MedGen C0409818, MONDO:0011776, OMIM 607115.
Familial amyloid nephropathy with urticaria AND deafness (MWS). Also called: Urticaria, deafness and amyloidosis; CRYOPYRIN-ASSOCIATED PERIODIC SYNDROME 2; UDA SYNDROME; URTICARIA-DEAFNESS-AMYLOIDOSIS SYNDROME; MUCKLE-WELLS SYNDROME. Identifiers: Orphanet 575, MedGen C0268390, MONDO:0008633, OMIM 191900.
Hearing loss, autosomal dominant 34, with or without inflammation. Also called: DEAFNESS, AUTOSOMAL DOMINANT 34, WITH OR WITHOUT INFLAMMATION. Identifiers: MedGen C4521680, MONDO:0033261, OMIM 617772.
Cryopyrin associated periodic syndrome (CAPS). Identifiers: Orphanet 208650, MedGen C2316212, MONDO:0016168.

Allele frequency attached by ClinVar (database versions not stated): gnomAD 0.00007 and 0.00012; gnomAD exomes 0.00010 and 0.00022; TOPMed 0.00011; ExAC 0.00028; 1000 Genomes Project 30x 0.00062; 1000 Genomes Project 0.00080.
gnomAD v4.1: 164 of 1,605,162 alleles (0.01%); highest among the groups gnomAD compares: East Asian, 0.35%; no homozygotes.

Submissions (7):

Labcorp Genetics (formerly Invitae), Labcorp
Classification: Benign for Cryopyrin associated periodic syndrome. Last evaluated: 2025-09-09. Review status: criteria provided, single submitter. Criteria: Invitae Variant Classification Sherloc (09022015). Collection method: clinical testing. Allele origin: germline.

Blueprint Genetics
Classification: Likely benign. Last evaluated: 2024-10-04. Review status: criteria provided, single submitter. Criteria: ACMG Guidelines, 2015. Collection method: clinical testing. Allele origin: germline.

Fulgent Genetics
Classification: Likely benign for Familial cold autoinflammatory syndrome 1; Keratitis fugax hereditaria; Familial amyloid nephropathy with urticaria AND deafness; Chronic infantile neurological, cutaneous and articular syndrome; Hearing loss, autosomal dominant 34, with or without inflammation. Last evaluated: 2021-09-27. Review status: criteria provided, single submitter. Criteria: ACMG Guidelines, 2015. Collection method: clinical testing. Allele origin: unknown.

Illumina Laboratory Services, Illumina
Classification: Benign for Familial amyloid nephropathy with urticaria AND deafness. Last evaluated: 2018-01-12. Review status: criteria provided, single submitter. Criteria: ICSL Variant Classification Criteria 13 December 2019. Collection method: clinical testing. Allele origin: germline.
Comment: This variant was observed in the ICSL laboratory as part of a predisposition screen in an ostensibly healthy population. It had not been previously curated by ICSL or reported in the Human Gene Mutation Database (HGMD: prior to June 1st, 2018), and was therefore a candidate for classification through an automated scoring system. Utilizing variant allele frequency, disease prevalence and penetrance estimates, and inheritance mode, an automated score was calculated to assess if this variant is too frequent to cause the disease. Based on the score and internal cut-off values, a variant classified as benign is not then subjected to further curation. The score for this variant resulted in a classification of benign for this disease.

Illumina Laboratory Services, Illumina
Classification: Benign for Familial cold autoinflammatory syndrome 1. Last evaluated: 2018-01-12. Review status: criteria provided, single submitter. Criteria: ICSL Variant Classification Criteria 13 December 2019. Collection method: clinical testing. Allele origin: germline.
Comment: the same text as in the submission from Illumina Laboratory Services, Illumina above.

Illumina Laboratory Services, Illumina
Classification: Benign for Chronic infantile neurological, cutaneous and articular syndrome. Last evaluated: 2018-01-12. Review status: criteria provided, single submitter. Criteria: ICSL Variant Classification Criteria 13 December 2019. Collection method: clinical testing. Allele origin: germline.
Comment: the same text as in the submission from Illumina Laboratory Services, Illumina above.

GeneDx
Classification: Likely benign. Last evaluated: 2016-12-01. Review status: criteria provided, single submitter. Criteria: GeneDx Variant Classification (06012015). Collection method: clinical testing. Allele origin: germline. Affected: yes.
Comment: This variant is considered likely benign or benign based on one or more of the following criteria: it is a conservative change, it occurs at a poorly conserved position in the protein, it is predicted to be benign by multiple in silico algorithms, and/or has population frequency not consistent with disease.

NM_001243133.2(NLRP3):c.277+11G>A

Gene: NLRP3 (NLR family pyrin domain containing 3; plus strand). Cytogenetic location: 1q44.
Variant type: single nucleotide variant.
Coding change: c.277+11G>A on transcript NM_001243133.2 (MANE Select); 11 bases into the intron after coding-DNA position 277, G replaced by A.
Molecular consequence: intron variant.
Genome position (GRCh38, 1-based): chr1:247,419,088, G>A. VCF-style: chr1-247419088-G-A. GRCh37 (hg19) VCF-style: chr1-247582390-G-A.
Other names: c.283+11G>A (NM_004895.5); c.277+11G>A (NM_001127461.3, NM_001127462.3, NM_183395.3 and 1 more transcripts).
Identifiers: ClinVar variation 296941 (VCV000296941.14), dbSNP rs577522959, ClinGen allele CA1494781.